The following is an entry in ClinVar:

ClinVar aggregate classification (germline): Uncertain significance (1 of 4 stars; one submission).

Conditions:
Hereditary cancer-predisposing syndrome. Also called: Neoplastic Syndromes, Hereditary; Tumor predisposition; Hereditary Cancer Syndrome; Hereditary neoplastic syndrome. Identifiers: Orphanet 140162, MedGen C0027672, MeSH D009386, MONDO:0015356.

gnomAD v4.1: 1 of 1,614,176 alleles (0.000062%); highest among the groups gnomAD compares: South Asian, 0.0011%; no homozygotes.

Submission:

Ambry Genetics
Classification: Uncertain significance for Hereditary cancer-predisposing syndrome. Last evaluated: 2026-03-13. Review status: criteria provided, single submitter. Criteria: Ambry Variant Classification Scheme 2023. Collection method: clinical testing. Allele origin: germline.
Comment: The p.N1203S variant (also known as c.3608A>G), located in coding exon 20 of the DICER1 gene, results from an A to G substitution at nucleotide position 3608. The asparagine at codon 1203 is replaced by serine, an amino acid with highly similar properties. This amino acid position is conserved. In addition, this alteration is predicted to be tolerated by in silico analysis. Based on the available evidence, the clinical significance of this variant remains unclear.

NM_177438.3(DICER1):c.3608A>G (p.Asn1203Ser)

Gene: DICER1 (dicer 1, ribonuclease III; minus strand). Cytogenetic location: 14q32.13.
Variant type: single nucleotide variant.
Coding change: c.3608A>G on transcript NM_177438.3 (MANE Select); coding-DNA position 3608, A replaced by G.
Protein change: p.Asn1203Ser; replaces asparagine 1203 with serine.
Molecular consequence: missense variant. On other transcripts: non-coding transcript variant (6).
Genome position (GRCh38, 1-based): chr14:95,103,788, T>C on the plus strand (A>G on the coding strand, the complement: DICER1 is on the minus strand). VCF-style: chr14-95103788-T-C. GRCh37 (hg19) VCF-style: chr14-95570125-T-C.
Other names: c.3608A>G, p.Asn1203Ser (NM_001395684.1, NM_001195573.1, NM_001271282.3 and 12 more transcripts); c.3326A>G, p.Asn1109Ser (NM_001395686.1); c.3203A>G, p.Asn1068Ser (NM_001395687.1, NM_001395688.1, NM_001395689.1 and 2 more transcripts); c.3041A>G, p.Asn1014Ser (NM_001395691.1); c.1925A>G, p.Asn642Ser (NM_001395697.1); short protein forms N1014S, N1068S, N642S, N1203S, N1109S.
Identifiers: ClinVar variation 4826973 (VCV004826973.1).